The following is an entry in ClinVar:

NM_000069.3(CACNA1S):c.1151-13C>A

Gene: CACNA1S (calcium voltage-gated channel subunit alpha1 S; minus strand). Cytogenetic location: 1q32.1.
Variant type: single nucleotide variant.
Coding change: c.1151-13C>A on transcript NM_000069.3 (MANE Select); 13 bases into the intron before coding-DNA position 1151, C replaced by A.
Molecular consequence: intron variant.
Genome position (GRCh38, 1-based): chr1:201,085,044, G>T on the plus strand (C>A on the coding strand, the complement: CACNA1S is on the minus strand). VCF-style: chr1-201085044-G-T. GRCh37 (hg19) VCF-style: chr1-201054172-G-T.
Identifiers: ClinVar variation 1648219 (VCV001648219.10), dbSNP rs200273802, ClinGen allele CA077987.

ClinVar aggregate classification (germline): Conflicting classifications of pathogenicity. Review status: criteria provided, conflicting classifications (1 of 4 stars). 3 submissions from 3 submitters: Uncertain significance (1); Likely benign (2). Last evaluated 2025-07-18.

Conditions:
Malignant hyperthermia, susceptibility to, 5 (MHS5). Also called: CACNA1S-Related Malignant Hyperthermia Susceptibility. Identifiers: Orphanet 423, MedGen C1866077, MONDO:0011163, OMIM 601887.
Hypokalemic periodic paralysis, type 1. Also called: Hypokalemic Periodic Paralysis Type 1 (AD); HypoPP. Identifiers: Orphanet 681, MedGen C3714580, MONDO:0042979, OMIM 170400.

Submissions (3):

Color Diagnostics, LLC DBA Color Health
Classification: Likely benign for Malignant hyperthermia, susceptibility to, 5. Last evaluated: 2025-07-18. Review status: criteria provided, single submitter. Criteria: ACMG Guidelines, 2015. Collection method: clinical testing. Allele origin: germline.

Labcorp Genetics (formerly Invitae), Labcorp
Classification: Likely benign for Hypokalemic periodic paralysis, type 1; Malignant hyperthermia, susceptibility to, 5. Last evaluated: 2023-12-30. Review status: criteria provided, single submitter. Criteria: Invitae Variant Classification Sherloc (09022015). Collection method: clinical testing. Allele origin: germline.

All of Us Research Program, National Institutes of Health
Classification: Uncertain significance for Malignant hyperthermia, susceptibility to, 5. Last evaluated: 2023-08-15. Review status: criteria provided, single submitter. Criteria: ACMG Guidelines, 2015. Collection method: clinical testing. Allele origin: germline. Inheritance: Autosomal dominant inheritance. Observed: 2 variant alleles, 2 heterozygotes.
Comment: This variant causes a C to A nucleotide substitution at the -13 position of intron 8 of the CACNA1S gene. To our knowledge, functional studies have not been reported for this variant. This variant has not been reported in individuals affected with CACNA1S-related disorders in the literature. This variant has been identified in 3/246418 chromosomes in the general population by the Genome Aggregation Database (gnomAD). The available evidence is insufficient to determine the role of this variant in disease conclusively. Therefore, this variant is classified as a Variant of Uncertain Significance.

This study involves interpretation of variants in research participants for the purpose of population health screening. Participant phenotype was not available at the time of variant classification. Additional details can be found in publication PMID: 35346344, PMCID: PMC8962531